The following is an entry in ClinVar:

ClinVar aggregate classification (germline): Uncertain significance (1 of 4 stars; one submission).

Conditions:
Nephronophthisis 15 (NPHP15). Identifiers: Orphanet 3156, MedGen C3541853, MONDO:0013917, OMIM 614845.

Allele frequency attached by ClinVar (database versions not stated): gnomAD exomes below 0.00001; ExAC 0.00001.

Submission:

Labcorp Genetics (formerly Invitae), Labcorp
Classification: Uncertain significance for Nephronophthisis 15. Last evaluated: 2022-11-08. Review status: criteria provided, single submitter. Criteria: Invitae Variant Classification Sherloc (09022015). Collection method: clinical testing. Allele origin: germline.
Comment: This sequence change replaces histidine, which is basic and polar, with tyrosine, which is neutral and polar, at codon 1097 of the CEP164 protein (p.His1097Tyr). This variant is not present in population databases (gnomAD no frequency). This variant has not been reported in the literature in individuals affected with CEP164-related conditions. ClinVar contains an entry for this variant (Variation ID: 864496). Advanced modeling of protein sequence and biophysical properties (such as structural, functional, and spatial information, amino acid conservation, physicochemical variation, residue mobility, and thermodynamic stability) performed at Invitae indicates that this missense variant is not expected to disrupt CEP164 protein function. In summary, the available evidence is currently insufficient to determine the role of this variant in disease. Therefore, it has been classified as a Variant of Uncertain Significance.

NM_014956.5(CEP164):c.3289C>T (p.His1097Tyr)

Gene: CEP164 (centrosomal protein 164; plus strand). Cytogenetic location: 11q23.3.
Variant type: single nucleotide variant.
Coding change: c.3289C>T on transcript NM_014956.5 (MANE Select); coding-DNA position 3289, C replaced by T.
Protein change: p.His1097Tyr; replaces histidine 1097 with tyrosine.
Molecular consequence: missense variant.
Genome position (GRCh38, 1-based): chr11:117,397,101, C>T. VCF-style: chr11-117397101-C-T. GRCh37 (hg19) VCF-style: chr11-117267817-C-T.
Other names: c.3298C>T, p.His1100Tyr (NM_001271933.2); short protein forms H1097Y, H1100Y.
Identifiers: ClinVar variation 864496 (VCV000864496.9), dbSNP rs764825500, ClinGen allele CA6295412.